The following is an entry in ClinVar:

NM_001453.3(FOXC1):c.639G>T (p.Ala213=)

Gene: FOXC1 (forkhead box C1; plus strand). Cytogenetic location: 6p25.3.
Variant type: single nucleotide variant.
Coding change: c.639G>T on transcript NM_001453.3 (MANE Select); coding-DNA position 639, G replaced by T.
Protein change: p.Ala213=; no amino-acid change (alanine 213 retained).
Molecular consequence: synonymous variant.
Genome position (GRCh38, 1-based): chr6:1,611,084, G>T. VCF-style: chr6-1611084-G-T. GRCh37 (hg19) VCF-style: chr6-1611319-G-T.
Other names: c.639G>T (NM_001453.2).
Identifiers: ClinVar variation 2197093 (VCV002197093.7), dbSNP rs758203722, ClinGen allele CA3614798.

ClinVar aggregate classification (germline): Benign/Likely benign. Review status: criteria provided, multiple submitters, no conflicts (2 of 4 stars). 3 submissions from 3 submitters: Benign (1); Likely benign (1). 1 of the submissions does not count toward it. Last evaluated 2024-07-16.

Conditions:
Axenfeld-Rieger syndrome type 3 (RIEG3). Also called: AXENFELD-RIEGER ANOMALY WITH CARDIAC DEFECTS AND/OR SENSORINEURAL HEARING LOSS. Identifiers: Orphanet 782, MedGen C2678503, MONDO:0011233, OMIM 602482.
FOXC1-related disorder. Also called: FOXC1-related condition.

Allele frequency attached by ClinVar (database versions not stated): TOPMed 0.00006; gnomAD 0.00010; ExAC 0.00038.

Submissions (3):

Blueprint Genetics
Classification: Likely benign. Last evaluated: 2024-07-16. Review status: criteria provided, single submitter. Criteria: ACMG Guidelines, 2015. Collection method: clinical testing. Allele origin: germline.

Labcorp Genetics (formerly Invitae), Labcorp
Classification: Benign for Axenfeld-Rieger syndrome type 3. Last evaluated: 2023-11-01. Review status: criteria provided, single submitter. Criteria: Invitae Variant Classification Sherloc (09022015). Collection method: clinical testing. Allele origin: germline.

PreventionGenetics, part of Exact Sciences
Classification: Likely benign for FOXC1-related condition. Last evaluated: 2019-07-23. Review status: no assertion criteria provided. Collection method: clinical testing. Allele origin: germline. Not counted in ClinVar's aggregate classification.
Comment: This variant is classified as likely benign based on ACMG/AMP sequence variant interpretation guidelines (Richards et al. 2015 PMID: 25741868, with internal and published modifications).